The following is an entry in ClinVar:

ClinVar aggregate classification (germline): Uncertain significance. Review status: criteria provided, multiple submitters, no conflicts (2 of 4 stars). 6 submissions from 6 submitters: Uncertain significance (4). 2 of the submissions do not count toward it. Last evaluated 2024-04-30.

Conditions:
Retinal dystrophy. Also called: Inherited retinal dystrophy. Identifiers: Orphanet 71862, MedGen C0854723, MeSH D058499, MONDO:0019118, HP:0000556.
Inborn genetic diseases. Identifiers: MedGen C0950123, MeSH D030342.
Usher syndrome type 1 (USH1). Also called: RETINITIS PIGMENTOSA AND CONGENITAL DEAFNESS. Identifiers: Orphanet 231169, Orphanet 886, MedGen C1568247, MONDO:0010168, OMIM 276900.

Allele frequency attached by ClinVar (database versions not stated): gnomAD exomes 0.00002 and 0.00005; TOPMed 0.00002; ExAC 0.00003; gnomAD 0.00005 and 0.00006.
gnomAD v4.1: 72 of 1,613,826 alleles (0.0045%); highest among the groups gnomAD compares: East Asian, 0.0089%; no homozygotes.

Submissions (6):

Blueprint Genetics
Classification: Uncertain significance. Last evaluated: 2024-04-30. Review status: criteria provided, single submitter. Criteria: ACMG Guidelines, 2015. Collection method: clinical testing. Allele origin: germline.

Ambry Genetics
Classification: Uncertain significance for Inborn genetic diseases. Last evaluated: 2022-06-03. Review status: criteria provided, single submitter. Criteria: Ambry Variant Classification Scheme 2023. Collection method: clinical testing. Allele origin: germline.

Labcorp Genetics (formerly Invitae), Labcorp
Classification: Uncertain significance. Last evaluated: 2022-05-22. Review status: criteria provided, single submitter. Criteria: Invitae Variant Classification Sherloc (09022015). Collection method: clinical testing. Allele origin: germline.
Comment: This sequence change replaces arginine, which is basic and polar, with histidine, which is basic and polar, at codon 2809 of the CDH23 protein (p.Arg2809His). This variant is present in population databases (rs780409612, gnomAD 0.01%). This variant has not been reported in the literature in individuals affected with CDH23-related conditions. ClinVar contains an entry for this variant (Variation ID: 1202091). Algorithms developed to predict the effect of missense changes on protein structure and function are either unavailable or do not agree on the potential impact of this missense change (SIFT: "Deleterious"; PolyPhen-2: "Not Available"; Align-GVGD: "Class C0"). In summary, the available evidence is currently insufficient to determine the role of this variant in disease. Therefore, it has been classified as a Variant of Uncertain Significance.

GeneDx
Classification: Uncertain significance. Last evaluated: 2019-11-08. Review status: criteria provided, single submitter. Criteria: GeneDx Variant Classification Process June 2021. Collection method: clinical testing. Allele origin: germline. Affected: yes.
Comment: In silico analysis, which includes protein predictors and evolutionary conservation, supports that this variant does not alter protein structure/function; Has not been previously published as pathogenic or benign to our knowledge

Institute of Human Genetics, Univ. Regensburg, Univ. Regensburg
Classification: Uncertain significance for Retinal dystrophy. Last evaluated: 2022-01-01. Review status: no assertion criteria provided. Criteria: ACMG Guidelines, 2015. Collection method: clinical testing. Allele origin: germline. Affected: yes. Not counted in ClinVar's aggregate classification.

Natera, Inc.
Classification: Uncertain significance for Usher syndrome type 1. Last evaluated: 2020-03-24. Review status: no assertion criteria provided. Collection method: clinical testing. Allele origin: germline. Not counted in ClinVar's aggregate classification.

NM_022124.6(CDH23):c.8426G>A (p.Arg2809His)

Gene: CDH23 (cadherin related 23; plus strand). Cytogenetic location: 10q22.1.
Variant type: single nucleotide variant.
Coding change: c.8426G>A on transcript NM_022124.6 (MANE Select); coding-DNA position 8426, G replaced by A.
Protein change: p.Arg2809His; replaces arginine 2809 with histidine.
Molecular consequence: missense variant.
Genome position (GRCh38, 1-based): chr10:71,807,633, G>A. VCF-style: chr10-71807633-G-A. GRCh37 (hg19) VCF-style: chr10-73567390-G-A.
Other names: c.1706G>A, p.Arg569His (NM_001171933.1, NM_001171934.1); short protein forms R2809H, R569H.
Identifiers: ClinVar variation 1202091 (VCV001202091.12), dbSNP rs780409612, ClinGen allele CA5546650.